The following is an entry in ClinVar:

ClinVar aggregate classification (germline): Uncertain significance (1 of 4 stars; one submission).

Conditions:
PKD1-related disorder. Also called: PKD1-related condition.

gnomAD v4.1: 29 of 1,600,144 alleles (0.0018%); highest among the groups gnomAD compares: East Asian, 0.0045%; no homozygotes.

Submission:

PreventionGenetics, part of Exact Sciences
Classification: Uncertain significance for PKD1-related condition. Last evaluated: 2026-06-26. Review status: criteria provided, single submitter. Criteria: ACMG Guidelines, 2015. Collection method: clinical testing. Allele origin: germline.
Comment: The PKD1 c.1972G>A variant is predicted to result in the amino acid substitution p.Ala658Thr. This variant was reported in an individual with autosomal dominant polycystic kidney disease (ADPKD) (Rossetti et al. 2012. PubMed ID: 22383692). This variant is reported in 0.034% of alleles in individuals of East Asian descent in gnomAD. Although we suspect that this variant may be benign, at this time, the clinical significance of this variant is uncertain due to the absence of conclusive functional and genetic evidence.

NM_001009944.3(PKD1):c.1972G>A (p.Ala658Thr)

Gene: PKD1 (polycystin 1, transient receptor potential channel interacting; minus strand). Cytogenetic location: 16p13.3.
Variant type: single nucleotide variant.
Coding change: c.1972G>A on transcript NM_001009944.3 (MANE Select); coding-DNA position 1972, G replaced by A.
Protein change: p.Ala658Thr; replaces alanine 658 with threonine.
Molecular consequence: missense variant.
Genome position (GRCh38, 1-based): chr16:2,115,503, C>T on the plus strand (G>A on the coding strand, the complement: PKD1 is on the minus strand). VCF-style: chr16-2115503-C-T. GRCh37 (hg19) VCF-style: chr16-2165504-C-T.
Other names: c.1972G>A, p.Ala658Thr (NM_000296.4); short protein forms A658T.
Identifiers: ClinVar variation 4980238 (VCV004980238.1).